The following is an entry in ClinVar:

NM_000273.3(GPR143):c.162_198dup (p.Ser67fs)

Gene: GPR143 (G protein-coupled receptor 143; minus strand). Cytogenetic location: Xp22.2.
Variant type: Duplication.
Coding change: c.162_198dup on transcript NM_000273.3 (MANE Select); coding-DNA positions 162 to 198, 37 bases duplicated.
Protein change: p.Ser67fs; shifts the reading frame from serine 67.
Molecular consequence: frameshift variant.
Genome position (GRCh38, 1-based): chrX:9,765,620-9,765,656, 37 bases duplicated; duplicating any 37 consecutive bases within chrX:9,765,620-9,765,665 gives the same sequence; the c. name uses the placement nearest the transcript's 3' end. GRCh37 (hg19): chrX:9,733,669-9,733,705.
Other names: short protein forms S67fs.
Identifiers: ClinVar variation 1999579 (VCV001999579.4), dbSNP rs2518642062, ClinGen allele CA2580102082.

ClinVar aggregate classification (germline): Pathogenic (1 of 4 stars; one submission).

Submission:

Labcorp Genetics (formerly Invitae), Labcorp
Classification: Pathogenic. Last evaluated: 2022-07-05. Review status: criteria provided, single submitter. Criteria: Invitae Variant Classification Sherloc (09022015). Collection method: clinical testing. Allele origin: germline.
Comment: For these reasons, this variant has been classified as Pathogenic. This variant has not been reported in the literature in individuals affected with GPR143-related conditions. This sequence change creates a premature translational stop signal (p.Ser67Argfs*46) in the GPR143 gene. It is expected to result in an absent or disrupted protein product. Loss-of-function variants in GPR143 are known to be pathogenic (PMID: 15965158, 18978956, 19390656, 21541274, 26160353, 28211458). The frequency data for this variant in the population databases is considered unreliable, as metrics indicate insufficient coverage at this position in the gnomAD database.

Literature cited by the submitters: PubMed 15965158; PubMed 18978956; PubMed 19390656; PubMed 21541274; PubMed 26160353; PubMed 28211458.